The following is an entry in ClinVar:

NM_003235.5(TG):c.7408C>T (p.Leu2470=)

Genes: SLA (Src like adaptor; minus strand), TG (thyroglobulin; plus strand). Cytogenetic location: 8q24.22.
Variant type: single nucleotide variant.
Coding change: c.7408C>T on transcript NM_003235.5 (MANE Select); coding-DNA position 7408, C replaced by T.
Protein change: p.Leu2470=; no amino-acid change (leucine 2470 retained).
Molecular consequence: synonymous variant. On other transcripts: intron variant (4).
Genome position (GRCh38, 1-based): chr8:133,096,209, C>T. VCF-style: chr8-133096209-C-T. GRCh37 (hg19) VCF-style: chr8-134108453-C-T.
Other names: c.-264+6344G>A (NM_001282965.2); c.11+6344G>A (NM_001282964.2, NM_001045557.3); c.-319+6344G>A (NM_001045556.3).
Identifiers: ClinVar variation 259000 (VCV000259000.18), dbSNP rs2069568, ClinGen allele CA4885638.
Genomic context (GRCh38, chr8:133,096,209, plus strand): 5'-GCAAAGCAGTGCAACTGATTATTCCAGGACAACTGATTATTGTTGCATCCAATGCAGCTC[C>T]TGGCCGTGAGTGGCCCTTTCCACTACTGGGGTCCTGTGATCGATGGCCACTTCCTCCGTG-3'
Protein context (NP_003226.4, residues 2460-2480): NVLNDAQTKL[Leu2470=]AVSGPFHYWG

ClinVar aggregate classification (germline): Benign/Likely benign. Review status: criteria provided, multiple submitters, no conflicts (2 of 4 stars). 10 submissions from 10 submitters: Benign (7); Likely benign (1). 2 of the submissions do not count toward it. Last evaluated 2026-05-09.

Conditions:
Iodotyrosyl coupling defect (TDH3). Also called: HYPOTHYROIDISM, CONGENITAL, DUE TO DYSHORMONOGENESIS, 3; THYROID HORMONOGENESIS, GENETIC DEFECT IN, 3. Identifiers: Orphanet 95716, MedGen C0342194, MONDO:0010135, OMIM 274700.

Allele frequency attached by ClinVar (database versions not stated): 1000 Genomes Project 30x 0.34197; 1000 Genomes Project 0.34465; TOPMed 0.35911; ESP Exome Variant Server 0.37883; gnomAD 0.38184 and 0.38502; gnomAD exomes 0.43280; ExAC 0.43471.
gnomAD v4.1: 733,825 of 1,613,656 alleles (45%); highest among the groups gnomAD compares: Middle Eastern, 48%; 171,919 homozygotes.

Submissions (10):

Women's Health and Genetics/Laboratory Corporation of America, LabCorp
Classification: Benign. Last evaluated: 2026-05-09. Review status: criteria provided, single submitter. Criteria: LabCorp Variant Classification Summary - May 2015. Collection method: clinical testing. Allele origin: germline.

Labcorp Genetics (formerly Invitae), Labcorp
Classification: Benign. Last evaluated: 2026-02-04. Review status: criteria provided, single submitter. Criteria: Invitae Variant Classification Sherloc (09022015). Collection method: clinical testing. Allele origin: germline.

Blueprint Genetics
Classification: Likely benign. Last evaluated: 2024-11-27. Review status: criteria provided, single submitter. Criteria: ACMG Guidelines, 2015. Collection method: clinical testing. Allele origin: germline.

Genome-Nilou Lab
Classification: Benign for Iodotyrosyl coupling defect. Last evaluated: 2021-09-10. Review status: criteria provided, single submitter. Criteria: ACMG Guidelines, 2015. Collection method: clinical testing. Allele origin: germline. Affected: no.

GeneDx
Classification: Benign. Last evaluated: 2021-01-05. Review status: criteria provided, single submitter. Criteria: GeneDx Variant Classification Process June 2021. Collection method: clinical testing. Allele origin: germline. Affected: yes.

Illumina Laboratory Services, Illumina
Classification: Benign for Iodotyrosyl coupling defect. Last evaluated: 2018-01-13. Review status: criteria provided, single submitter. Criteria: ICSL Variant Classification Criteria 13 December 2019. Collection method: clinical testing. Allele origin: germline.
Comment: This variant was observed in the ICSL laboratory as part of a predisposition screen in an ostensibly healthy population. It had not been previously curated by ICSL or reported in the Human Gene Mutation Database (HGMD: prior to June 1st, 2018), and was therefore a candidate for classification through an automated scoring system. Utilizing variant allele frequency, disease prevalence and penetrance estimates, and inheritance mode, an automated score was calculated to assess if this variant is too frequent to cause the disease. Based on the score and internal cut-off values, a variant classified as benign is not then subjected to further curation. The score for this variant resulted in a classification of benign for this disease.

Breakthrough Genomics
Classification: Benign. Review status: criteria provided, single submitter. Criteria: ACMG Guidelines, 2015. Collection method: not provided. Allele origin: germline. Inheritance: Autosomal recessive inheritance. Affected: yes.

PreventionGenetics, part of Exact Sciences
Classification: Benign. Review status: criteria provided, single submitter. Criteria: ACMG Guidelines, 2015. Collection method: clinical testing. Allele origin: germline.

Clinical Genetics, Academic Medical Center
Classification: Benign. Review status: no assertion criteria provided. Collection method: clinical testing. Allele origin: germline. Affected: yes. Study: VKGL Data-share Consensus. Not counted in ClinVar's aggregate classification.

Diagnostic Laboratory, Department of Genetics, University Medical Center Groningen
Classification: Benign. Review status: no assertion criteria provided. Collection method: clinical testing. Allele origin: germline. Affected: yes. Study: VKGL Data-share Consensus. Not counted in ClinVar's aggregate classification.